The following is an entry in ClinVar:

NM_004667.6(HERC2):c.560A>G (p.Lys187Arg)

Gene: HERC2 (HECT and RLD domain containing E3 ubiquitin protein ligase 2; minus strand). Cytogenetic location: 15q13.1.
Variant type: single nucleotide variant.
Coding change: c.560A>G on transcript NM_004667.6 (MANE Select); coding-DNA position 560, A replaced by G.
Protein change: p.Lys187Arg; replaces lysine 187 with arginine.
Molecular consequence: missense variant.
Genome position (GRCh38, 1-based): chr15:28,274,988, T>C on the plus strand (A>G on the coding strand, the complement: HERC2 is on the minus strand). VCF-style: chr15-28274988-T-C. GRCh37 (hg19) VCF-style: chr15-28520134-T-C.
Other names: c.560A>G (NM_004667.4); short protein forms K187R.
Identifiers: ClinVar variation 3342807 (VCV003342807.12).

ClinVar aggregate classification (germline): Uncertain significance. Review status: criteria provided, multiple submitters, no conflicts (2 of 4 stars). 3 submissions from 3 submitters: Uncertain significance (3). Last evaluated 2025-08-12.

Conditions:
Inborn genetic diseases. Identifiers: MedGen C0950123, MeSH D030342.

gnomAD v4.1: 17 of 1,607,180 alleles (0.0011%); highest among the groups gnomAD compares: African/African-American, 0.004%; no homozygotes.

Submissions (3):

Ambry Genetics
Classification: Uncertain significance for Inborn genetic diseases. Last evaluated: 2025-08-12. Review status: criteria provided, single submitter. Criteria: Ambry Variant Classification Scheme 2023. Collection method: clinical testing. Allele origin: germline.

CeGaT Center for Human Genetics Tuebingen
Classification: Uncertain significance. Last evaluated: 2025-06-01. Review status: criteria provided, single submitter. Criteria: CeGaT Center For Human Genetics Tuebingen Variant Classification Criteria Version 2. Collection method: clinical testing. Allele origin: germline. Affected: yes. Observed: 1 variant allele.
Comment: HERC2: PM2, BP4

GeneDx
Classification: Uncertain significance. Last evaluated: 2024-02-17. Review status: criteria provided, single submitter. Criteria: GeneDx Variant Classification Process June 2021. Collection method: clinical testing. Allele origin: germline. Affected: yes.
Comment: In silico analysis supports that this missense variant does not alter protein structure/function; Has not been previously published as pathogenic or benign to our knowledge